The following is an entry in ClinVar:

NM_001013838.3(CARMIL2):c.2143C>A (p.Arg715Ser)

Gene: CARMIL2 (capping protein regulator and myosin 1 linker 2; plus strand). Cytogenetic location: 16q22.1.
Variant type: single nucleotide variant.
Coding change: c.2143C>A on transcript NM_001013838.3 (MANE Select); coding-DNA position 2143, C replaced by A.
Protein change: p.Arg715Ser; replaces arginine 715 with serine.
Molecular consequence: missense variant.
Genome position (GRCh38, 1-based): chr16:67,650,109, C>A. VCF-style: chr16-67650109-C-A. GRCh37 (hg19) VCF-style: chr16-67684012-C-A.
Other names: c.2035C>A, p.Arg679Ser (NM_001317026.3); short protein forms R679S, R715S.
Identifiers: ClinVar variation 1404361 (VCV001404361.4), dbSNP rs201841470, ClinGen allele CA8113692.

ClinVar aggregate classification (germline): Uncertain significance (1 of 4 stars; one submission).

Allele frequency attached by ClinVar (database versions not stated): ExAC 0.00004; 1000 Genomes Project 30x 0.00016; 1000 Genomes Project 0.00020.
gnomAD v4.1: 72 of 1,613,520 alleles (0.0045%); highest among the groups gnomAD compares: Middle Eastern, 0.25%; no homozygotes.

Submission:

Labcorp Genetics (formerly Invitae), Labcorp
Classification: Uncertain significance. Last evaluated: 2024-10-24. Review status: criteria provided, single submitter. Criteria: Invitae Variant Classification Sherloc (09022015). Collection method: clinical testing. Allele origin: germline.
Comment: This sequence change replaces arginine, which is basic and polar, with serine, which is neutral and polar, at codon 715 of the CARMIL2 protein (p.Arg715Ser). This variant is present in population databases (rs201841470, gnomAD 0.01%). This variant has not been reported in the literature in individuals affected with CARMIL2-related conditions. ClinVar contains an entry for this variant (Variation ID: 1404361). Invitae Evidence Modeling of protein sequence and biophysical properties (such as structural, functional, and spatial information, amino acid conservation, physicochemical variation, residue mobility, and thermodynamic stability) indicates that this missense variant is not expected to disrupt CARMIL2 protein function with a negative predictive value of 80%. In summary, the available evidence is currently insufficient to determine the role of this variant in disease. Therefore, it has been classified as a Variant of Uncertain Significance.